The following is an entry in ClinVar:

ClinVar aggregate classification (germline): Uncertain significance (1 of 4 stars; one submission).

Conditions:
Immunodeficiency 132A. Also called: Herpes simplex encephalitis, susceptibility to, 3. Identifiers: Orphanet 1930, MedGen C3553868, MONDO:0013920, OMIM 614849.

Submission:

Labcorp Genetics (formerly Invitae), Labcorp
Classification: Uncertain significance for Immunodeficiency 132A. Last evaluated: 2022-12-31. Review status: criteria provided, single submitter. Criteria: Invitae Variant Classification Sherloc (09022015). Collection method: clinical testing. Allele origin: unknown.
Comment: This variant results in a copy number gain of the genomic region encompassing exon(s) 2-5 of the TRAF3 gene. This region includes the initiator codon of the gene. This copy number gain extends beyond the assayed region for this gene and therefore may encompass additional genes. As the precise location of this event is unknown, it may be in tandem or it may be located elsewhere in the genome. In summary, the available evidence is currently insufficient to determine the role of this variant in disease. Therefore, it has been classified as a Variant of Uncertain Significance. Experimental studies and prediction algorithms are not available or were not evaluated, and the functional significance of this variant is currently unknown. This variant has not been reported in the literature in individuals affected with TRAF3-related conditions.

NC_000014.8:g.(?_103336539)_(103342882_?)dup

Gene: TRAF3 (TNF receptor associated factor 3; plus strand). Cytogenetic location: 14q32.32.
Variant type: Duplication.
Identifiers: ClinVar variation 3244029 (VCV003244029.1).